The following is an entry in ClinVar:

NM_000548.5(TSC2):c.1599+5G>A

Gene: TSC2 (TSC complex subunit 2; plus strand). Cytogenetic location: 16p13.3.
Variant type: single nucleotide variant.
Coding change: c.1599+5G>A on transcript NM_000548.5 (MANE Select); 5 bases into the intron after coding-DNA position 1599, G replaced by A.
Molecular consequence: intron variant.
Genome position (GRCh38, 1-based): chr16:2,064,432, G>A. VCF-style: chr16-2064432-G-A. GRCh37 (hg19) VCF-style: chr16-2114433-G-A.
Other names: c.1599+5G>A (NM_001114382.3, NM_021055.3, NM_001370405.1 and 3 more transcripts); c.1488+5G>A (NM_001318827.2); c.999+5G>A (NM_001318831.2); c.1452+5G>A (NM_001318829.2); c.1632+5G>A (NM_001318832.2).
Identifiers: ClinVar variation 65133 (VCV000065133.19), dbSNP rs397515100, ClinGen allele CA015213.

ClinVar aggregate classification (germline): Conflicting classifications of pathogenicity. Review status: criteria provided, conflicting classifications (1 of 4 stars). 5 submissions from 4 submitters: Pathogenic (1); Likely pathogenic (1); Uncertain significance (1). 2 of the submissions do not count toward it. Last evaluated 2025-09-04.

Conditions:
Tuberous sclerosis syndrome (TSC). Also called: Tuberous Sclerosis Complex; Tuberous sclerosis. Identifiers: Orphanet 805, MedGen C0041341, MONDO:0001734.
Tuberous sclerosis 2 (TSC2). Identifiers: Orphanet 805, MedGen C1860707, MONDO:0013199, OMIM 613254.
Hereditary cancer-predisposing syndrome. Also called: Tumor predisposition; Hereditary Cancer Syndrome; Neoplastic Syndromes, Hereditary; Hereditary neoplastic syndrome. Identifiers: Orphanet 140162, MedGen C0027672, MeSH D009386, MONDO:0015356.

Submissions (5):

Ambry Genetics
Classification: Likely pathogenic for Hereditary cancer-predisposing syndrome. Last evaluated: 2025-09-04. Review status: criteria provided, single submitter. Criteria: Ambry Variant Classification Scheme 2023. Collection method: clinical testing. Allele origin: germline.
Comment: The c.1599+5G>A intronic variant results from a G to A substitution 5 nucleotides after coding exon 14 in the TSC2 gene. This variant was reported in individuals with features consistent with Tuberous sclerosis complex (Ambry internal data); in at least one individual, it was determined to be de novo. This nucleotide position is well conserved in available vertebrate species. In silico splice site analysis predicts that this alteration will result in the creation or strengthening of a novel splice donor site. This variant is considered to be rare based on population cohorts in the Genome Aggregation Database (gnomAD). Based on the majority of available evidence to date, this variant is likely to be pathogenic.

Labcorp Genetics (formerly Invitae), Labcorp
Classification: Pathogenic for Tuberous sclerosis 2. Last evaluated: 2025-06-01. Review status: criteria provided, single submitter. Criteria: Invitae Variant Classification Sherloc (09022015). Collection method: clinical testing. Allele origin: germline.
Comment: This sequence change falls in intron 15 of the TSC2 gene. It does not directly change the encoded amino acid sequence of the TSC2 protein. It affects a nucleotide within the consensus splice site. This variant is not present in population databases (gnomAD no frequency). This variant has been observed in individual(s) with tuberous sclerosis (PMID: 21520333). In at least one individual the variant was observed to be de novo. ClinVar contains an entry for this variant (Variation ID: 65133). Variants that disrupt the consensus splice site are a relatively common cause of aberrant splicing (PMID: 17576681, 9536098). Algorithms developed to predict the effect of sequence changes on RNA splicing suggest that this variant may create or strengthen a splice site. This variant disrupts the c.1599+5G nucleotide in the TSC2 gene. Other variant(s) that disrupt this nucleotide have been determined to be pathogenic. This suggests that this nucleotide is clinically significant, and that variants that disrupt this position are likely to be disease-causing. For these reasons, this variant has been classified as Pathogenic.

Genome-Nilou Lab
Classification: Uncertain significance for Tuberous sclerosis 2. Last evaluated: 2021-11-07. Review status: criteria provided, single submitter. Criteria: ACMG Guidelines, 2015. Collection method: clinical testing. Allele origin: germline. Affected: no.

Tuberous sclerosis database (TSC2)
No classification provided. Condition: TSC. Review status: no classification provided. Criteria: Tuberous Sclerosis Database Assertion Criteria 2015. Collection method: curation. Allele origin: germline. Affected: yes. Not counted in ClinVar's aggregate classification.

Tuberous sclerosis database (TSC2)
No classification provided. Condition: TSC. Review status: flagged submission. Criteria: Tuberous Sclerosis Database Assertion Criteria 2015. Collection method: curation. Allele origin: germline. Affected: yes. Not counted in ClinVar's aggregate classification.
ClinVar note: Reason: This record appears to be redundant with a more recent record from the same submitter.
ClinVar note: Notes: SCV000083566 appears to be redundant with SCV000083764.

Literature cited by the submitters: PubMed 21520333 (cited by Labcorp Genetics (formerly Invitae), Labcorp); PubMed 17576681 (cited by Labcorp Genetics (formerly Invitae), Labcorp); PubMed 9536098 (cited by Labcorp Genetics (formerly Invitae), Labcorp).